The following is an entry in ClinVar:

Conditions:
Long QT syndrome 5 (LQT5). Identifiers: Orphanet 101016, Orphanet 768, MedGen C1867904, MONDO:0013372, OMIM 613695.

Submission:

Roden Lab, Vanderbilt University Medical Center
No classification provided (evidence only). Condition: Long QT syndrome 5. Review status: no classification provided. Collection method: in vitro. Allele origin: not applicable. Functional consequence: Effect on ion channel function.
ClinVar note: "not provided" was previously submitted as the classification for the variant. However, the classification appeared to be based only on an observation of functional data so it was converted to no classification on 2025-07-30.

NM_000219.6(KCNE1):c.178G>A (p.Gly60Ser)

Gene: KCNE1 (potassium voltage-gated channel subfamily E regulatory subunit 1; minus strand). Cytogenetic location: 21q22.12.
Variant type: single nucleotide variant.
Coding change: c.178G>A on transcript NM_000219.6 (MANE Select); coding-DNA position 178, G replaced by A.
Protein change: p.Gly60Ser; replaces glycine 60 with serine.
Molecular consequence: missense variant.
Genome position (GRCh38, 1-based): chr21:34,449,457, C>T on the plus strand (G>A on the coding strand, the complement: KCNE1 is on the minus strand). VCF-style: chr21-34449457-C-T. GRCh37 (hg19) VCF-style: chr21-35821755-C-T.
Other names: c.178G>A, p.Gly60Ser (NM_001127668.4, NM_001127669.4, NM_001127670.4 and 4 more transcripts); short protein forms G60S.
Identifiers: ClinVar variation 3374253 (VCV003374253.2).